The following is an entry in ClinVar:

NM_003072.5(SMARCA4):c.1882C>A (p.Leu628Ile)

Gene: SMARCA4 (SWI/SNF related BAF chromatin remodeling complex subunit ATPase 4; plus strand). Cytogenetic location: 19p13.2.
Variant type: single nucleotide variant.
Coding change: c.1882C>A on transcript NM_003072.5 (MANE Select); coding-DNA position 1882, C replaced by A.
Protein change: p.Leu628Ile; replaces leucine 628 with isoleucine.
Molecular consequence: missense variant. On other transcripts: non-coding transcript variant (1).
Genome position (GRCh38, 1-based): chr19:11,003,098, C>A. VCF-style: chr19-11003098-C-A. GRCh37 (hg19) VCF-style: chr19-11113774-C-A.
Other names: c.1882C>A, p.Leu628Ile (NM_001128844.3, NM_001128845.2, NM_001128846.2 and 5 more transcripts); short protein forms L628I.
Identifiers: ClinVar variation 470265 (VCV000470265.14), dbSNP rs1555768351, ClinGen allele CA404051579.

ClinVar aggregate classification (germline): Uncertain significance. Review status: criteria provided, multiple submitters, no conflicts (2 of 4 stars). 3 submissions from 3 submitters: Uncertain significance (3). Last evaluated 2025-04-13.

Conditions:
Rhabdoid tumor predisposition syndrome 2 (RTPS2). Identifiers: Orphanet 231108, Orphanet 69077, MedGen C2750074, MONDO:0013224, OMIM 613325.
Hereditary cancer-predisposing syndrome. Also called: Hereditary neoplastic syndrome; Neoplastic Syndromes, Hereditary; Tumor predisposition; Hereditary Cancer Syndrome. Identifiers: Orphanet 140162, MedGen C0027672, MeSH D009386, MONDO:0015356.
Intellectual disability, autosomal dominant 16 (CSS4). Also called: COFFIN-SIRIS SYNDROME 4. Identifiers: Orphanet 1465, MedGen C3553249, MONDO:0013821, OMIM 614609.

Submissions (3):

Labcorp Genetics (formerly Invitae), Labcorp
Classification: Uncertain significance for Rhabdoid tumor predisposition syndrome 2. Last evaluated: 2025-04-13. Review status: criteria provided, single submitter. Criteria: Invitae Variant Classification Sherloc (09022015). Collection method: clinical testing. Allele origin: germline.
Comment: This sequence change replaces leucine, which is neutral and non-polar, with isoleucine, which is neutral and non-polar, at codon 628 of the SMARCA4 protein (p.Leu628Ile). This variant is not present in population databases (gnomAD no frequency). This variant has not been reported in the literature in individuals affected with SMARCA4-related conditions. ClinVar contains an entry for this variant (Variation ID: 470265). Invitae Evidence Modeling of protein sequence and biophysical properties (such as structural, functional, and spatial information, amino acid conservation, physicochemical variation, residue mobility, and thermodynamic stability) has been performed for this missense variant. However, the output from this modeling did not meet the statistical confidence thresholds required to predict the impact of this variant on SMARCA4 protein function. In summary, the available evidence is currently insufficient to determine the role of this variant in disease. Therefore, it has been classified as a Variant of Uncertain Significance.

Ambry Genetics
Classification: Uncertain significance for Hereditary cancer-predisposing syndrome. Last evaluated: 2024-08-20. Review status: criteria provided, single submitter. Criteria: Ambry Variant Classification Scheme 2023. Collection method: clinical testing. Allele origin: germline.
Comment: The p.L628I variant (also known as c.1882C>A), located in coding exon 11 of the SMARCA4 gene, results from a C to A substitution at nucleotide position 1882. The leucine at codon 628 is replaced by isoleucine, an amino acid with highly similar properties. This amino acid position is highly conserved in available vertebrate species. In addition, this alteration is predicted to be tolerated by in silico analysis. Missense and in-frame variants in SMARCA4 are known to cause neurodevelopmental disorders; however, such associations with rhabdoid tumor predisposition syndrome including small cell carcinoma of the ovary-hypercalcemic type (SCCOHT) are exceedingly rare (Kosho T et al. Am J Med Genet C Semin Med Genet. 2014 Sep;166C(3):262-75; Jelinic P et al. Nat Genet. 2014 May;46(5):424-6). Based on the supporting evidence, the association of this alteration with Coffin-Siris syndrome is unknown; however, the association of this alteration with rhabdoid tumor predisposition syndrome is unlikely.

Genome-Nilou Lab
Classification: Uncertain significance for Intellectual disability, autosomal dominant 16. Last evaluated: 2021-07-15. Review status: criteria provided, single submitter. Criteria: ACMG Guidelines, 2015. Collection method: clinical testing. Allele origin: germline. Affected: no.